The following is an entry in ClinVar:

ClinVar aggregate classification (germline): Uncertain significance (1 of 4 stars; one submission).

Conditions:
Developmental and epileptic encephalopathy, 2 (DEE2). Also called: INFANTILE SPASM SYNDROME, X-LINKED 2; CDKL5 deficiency disorder. Identifiers: Orphanet 1934, Orphanet 3451, Orphanet 505652, MedGen C4750718, MONDO:0010396, OMIM 300672.
Angelman syndrome-like. Identifiers: MedGen CN128785.

Allele frequency attached by ClinVar (database versions not stated): gnomAD exomes 0.00001; TOPMed 0.00001; gnomAD 0.00002; ExAC 0.00005.
gnomAD v4.1: 14 of 1,210,008 alleles (0.0012%); highest among the groups gnomAD compares: Non-Finnish European, 0.00089%; no homozygotes.

Submission:

Labcorp Genetics (formerly Invitae), Labcorp
Classification: Uncertain significance for Developmental and epileptic encephalopathy, 2; Angelman syndrome-like. Last evaluated: 2025-04-03. Review status: criteria provided, single submitter. Criteria: Invitae Variant Classification Sherloc (09022015). Collection method: clinical testing. Allele origin: germline.
Comment: This sequence change replaces histidine, which is basic and polar, with asparagine, which is neutral and polar, at codon 851 of the CDKL5 protein (p.His851Asn). This variant is present in population databases (rs770346971, gnomAD 0.005%). This variant has not been reported in the literature in individuals affected with CDKL5-related conditions. ClinVar contains an entry for this variant (Variation ID: 2924777). Invitae Evidence Modeling of protein sequence and biophysical properties (such as structural, functional, and spatial information, amino acid conservation, physicochemical variation, residue mobility, and thermodynamic stability) indicates that this missense variant is not expected to disrupt CDKL5 protein function with a negative predictive value of 95%. In summary, the available evidence is currently insufficient to determine the role of this variant in disease. Therefore, it has been classified as a Variant of Uncertain Significance.

NM_001323289.2(CDKL5):c.2551C>A (p.His851Asn)

Gene: CDKL5 (cyclin dependent kinase like 5; plus strand). Cytogenetic location: Xp22.13.
Variant type: single nucleotide variant.
Coding change: c.2551C>A on transcript NM_001323289.2 (MANE Select); coding-DNA position 2551, C replaced by A.
Protein change: p.His851Asn; replaces histidine 851 with asparagine.
Molecular consequence: missense variant.
Genome position (GRCh38, 1-based): chrX:18,628,425, C>A. VCF-style: chrX-18628425-C-A. GRCh37 (hg19) VCF-style: chrX-18646545-C-A.
Other names: c.2551C>A, p.His851Asn (NM_003159.3, NM_001037343.2); short protein forms H851N.
Identifiers: ClinVar variation 2924777 (VCV002924777.3), dbSNP rs770346971, ClinGen allele CA10360563.